The following is an entry in ClinVar:

NM_000271.5(NPC1):c.58-3294C>G

Genes: NPC1 (NPC intracellular cholesterol transporter 1; minus strand), LOC126862706 (BRD4-independent group 4 enhancer GRCh37_chr18:21156116-21157315; plus strand). Cytogenetic location: 18q11.2.
Variant type: single nucleotide variant.
Coding change: c.58-3294C>G on transcript NM_000271.5 (MANE Select); 3294 bases into the intron before coding-DNA position 58, C replaced by G.
Molecular consequence: intron variant.
Genome position (GRCh38, 1-based): chr18:23,576,868, G>C on the plus strand (C>G on the coding strand, the complement: NPC1 is on the minus strand). VCF-style: chr18-23576868-G-C. GRCh37 (hg19) VCF-style: chr18-21156832-G-C.
Identifiers: ClinVar variation 3029822 (VCV003029822.2), dbSNP rs2511369014, ClinGen allele CA2740093999.

ClinVar aggregate classification (germline): Likely benign (0 of 4 stars; one submission).

Conditions:
NPC1-related disorder. Also called: NPC1-related condition.

Submission:

PreventionGenetics, part of Exact Sciences
Classification: Likely benign for NPC1-related condition. Last evaluated: 2023-09-20. Review status: no assertion criteria provided. Collection method: clinical testing. Allele origin: germline.
Comment: This variant is classified as likely benign based on ACMG/AMP sequence variant interpretation guidelines (Richards et al. 2015 PMID: 25741868, with internal and published modifications).